The following is an entry in ClinVar:

NM_001854.4(COL11A1):c.365A>G (p.His122Arg)

Gene: COL11A1 (collagen type XI alpha 1 chain; minus strand). Cytogenetic location: 1p21.1.
Variant type: single nucleotide variant.
Coding change: c.365A>G on transcript NM_001854.4 (MANE Select); coding-DNA position 365, A replaced by G.
Protein change: p.His122Arg; replaces histidine 122 with arginine.
Molecular consequence: missense variant. On other transcripts: non-coding transcript variant (1).
Genome position (GRCh38, 1-based): chr1:103,078,781, T>C on the plus strand (A>G on the coding strand, the complement: COL11A1 is on the minus strand). VCF-style: chr1-103078781-T-C. GRCh37 (hg19) VCF-style: chr1-103544337-T-C.
Other names: c.365A>G, p.His122Arg (NM_001190709.2, NM_080629.3, NM_080630.4); short protein forms H122R.
Identifiers: ClinVar variation 4799915 (VCV004799915.1).

ClinVar aggregate classification (germline): Uncertain significance (1 of 4 stars; one submission).

gnomAD v4.1: 1 of 1,612,474 alleles (0.000062%); highest among the groups gnomAD compares: Non-Finnish European, 0.000085%; no homozygotes.

Submission:

Labcorp Genetics (formerly Invitae), Labcorp
Classification: Uncertain significance. Last evaluated: 2025-11-22. Review status: criteria provided, single submitter. Criteria: Invitae Variant Classification Sherloc (09022015). Collection method: clinical testing. Allele origin: germline.
Comment: This sequence change replaces histidine, which is basic and polar, with arginine, which is basic and polar, at codon 122 of the COL11A1 protein (p.His122Arg). This variant is not present in population databases (gnomAD no frequency). This variant has not been reported in the literature in individuals affected with COL11A1-related conditions. Invitae Evidence Modeling of protein sequence and biophysical properties (such as structural, functional, and spatial information, amino acid conservation, physicochemical variation, residue mobility, and thermodynamic stability) indicates that this missense variant is not expected to disrupt COL11A1 protein function with a negative predictive value of 95%. In summary, the available evidence is currently insufficient to determine the role of this variant in disease. Therefore, it has been classified as a Variant of Uncertain Significance.